The following is an entry in ClinVar:

ClinVar aggregate classification (germline): Pathogenic (1 of 4 stars; one submission).

Conditions:
Multiple congenital exostosis (EXT). Also called: MULTIPLE CARTILAGINOUS EXOSTOSES; Multiple exostoses; Hereditary multiple osteochondromas; Hereditary multiple exostoses; Hereditary multiple exostosis; Multiple osteochondromas. Identifiers: Orphanet 321, MedGen C0015306, MONDO:0005508, HP:0002762.

Submission:

Labcorp Genetics (formerly Invitae), Labcorp
Classification: Pathogenic for Multiple congenital exostosis. Last evaluated: 2024-10-28. Review status: criteria provided, single submitter. Criteria: Invitae Variant Classification Sherloc (09022015). Collection method: clinical testing. Allele origin: germline.
Comment: This sequence change creates a premature translational stop signal (p.Ser238*) in the EXT1 gene. It is expected to result in an absent or disrupted protein product. Loss-of-function variants in EXT1 are known to be pathogenic (PMID: 10679937, 11391482, 19810120). This variant is not present in population databases (gnomAD no frequency). This premature translational stop signal has been observed in individual(s) with hereditary multiple exostoses (PMID: 23262345). This variant is also known as c.708_709delCT (p.L236Lfs*3). For these reasons, this variant has been classified as Pathogenic.

Literature cited by the submitters: PubMed 10679937; PubMed 11391482; PubMed 19810120; PubMed 23262345.

NM_000127.3(EXT1):c.708_709del (p.Phe237_Ser238insTer)

Gene: EXT1 (exostosin glycosyltransferase 1; minus strand). Cytogenetic location: 8q24.11.
Variant type: Microsatellite.
Coding change: c.708_709del on transcript NM_000127.3 (MANE Select); coding-DNA positions 708 to 709, 2 bases deleted (CT; older notation c.708_709delCT).
Protein change: p.Phe237_Ser238insTer.
Molecular consequence: frameshift variant.
Genome position (GRCh38, 1-based): chr8:118,110,338-118,110,339, AG deleted on the plus strand (CT on the coding strand, the reverse complement: EXT1 is on the minus strand); deleting any 2 consecutive bases within chr8:118,110,338-118,110,341 gives the same sequence; the c. name uses the placement nearest the transcript's 3' end. VCF-style (leftmost placement, unchanged base first): chr8-118110337-AAG-A. GRCh37 (hg19) VCF-style: chr8-119122576-AAG-A.
Identifiers: ClinVar variation 3720868 (VCV003720868.2).